The following is an entry in ClinVar:

ClinVar aggregate classification (germline): Uncertain significance (1 of 4 stars; one submission).

Allele frequency attached by ClinVar (database versions not stated): gnomAD exomes below 0.00001; TOPMed 0.00001.
gnomAD v4.1: 1 of 1,613,574 alleles (0.000062%); highest among the groups gnomAD compares: South Asian, 0.0011%; no homozygotes.

Submission:

Labcorp Genetics (formerly Invitae), Labcorp
Classification: Uncertain significance. Last evaluated: 2022-08-10. Review status: criteria provided, single submitter. Criteria: Invitae Variant Classification Sherloc (09022015). Collection method: clinical testing. Allele origin: germline.
Comment: This sequence change replaces histidine, which is basic and polar, with tyrosine, which is neutral and polar, at codon 832 of the OCA2 protein (p.His832Tyr). This variant is not present in population databases (gnomAD no frequency). This variant has not been reported in the literature in individuals affected with OCA2-related conditions. ClinVar contains an entry for this variant (Variation ID: 1463223). Algorithms developed to predict the effect of missense changes on protein structure and function are either unavailable or do not agree on the potential impact of this missense change (SIFT: "Deleterious"; PolyPhen-2: "Probably Damaging"; Align-GVGD: "Class C0"). In summary, the available evidence is currently insufficient to determine the role of this variant in disease. Therefore, it has been classified as a Variant of Uncertain Significance.

NM_000275.3(OCA2):c.2494C>T (p.His832Tyr)

Gene: OCA2 (OCA2 melanosomal transmembrane protein; minus strand). Cytogenetic location: 15q12.
Variant type: single nucleotide variant.
Coding change: c.2494C>T on transcript NM_000275.3 (MANE Select); coding-DNA position 2494, C replaced by T.
Protein change: p.His832Tyr; replaces histidine 832 with tyrosine.
Molecular consequence: missense variant.
Genome position (GRCh38, 1-based): chr15:27,755,411, G>A on the plus strand (C>T on the coding strand, the complement: OCA2 is on the minus strand). VCF-style: chr15-27755411-G-A. GRCh37 (hg19) VCF-style: chr15-28000557-G-A.
Other names: c.2422C>T, p.His808Tyr (NM_001300984.2); short protein forms H808Y, H832Y.
Identifiers: ClinVar variation 1463223 (VCV001463223.5), dbSNP rs200918662, ClinGen allele CA268293926.